The following is an entry in ClinVar:

NM_001355436.2(SPTB):c.3109A>T (p.Lys1037Ter)

Gene: SPTB (spectrin beta, erythrocytic; minus strand). Cytogenetic location: 14q23.3.
Variant type: single nucleotide variant.
Coding change: c.3109A>T on transcript NM_001355436.2 (MANE Select); coding-DNA position 3109, A replaced by T.
Protein change: p.Lys1037Ter; replaces lysine 1037 with a stop codon.
Molecular consequence: nonsense.
Genome position (GRCh38, 1-based): chr14:64,786,856, T>A on the plus strand (A>T on the coding strand, the complement: SPTB is on the minus strand). VCF-style: chr14-64786856-T-A. GRCh37 (hg19) VCF-style: chr14-65253574-T-A.
Other names: c.3109A>T, p.Lys1037Ter (NM_001024858.4, NM_001355437.2); short protein forms K1037*.
Identifiers: ClinVar variation 4730413 (VCV004730413.1).

ClinVar aggregate classification (germline): Pathogenic (1 of 4 stars; one submission).

Submission:

Labcorp Genetics (formerly Invitae), Labcorp
Classification: Pathogenic. Last evaluated: 2025-11-03. Review status: criteria provided, single submitter. Criteria: Invitae Variant Classification Sherloc (09022015). Collection method: clinical testing. Allele origin: germline.
Comment: This sequence change creates a premature translational stop signal (p.Lys1037*) in the SPTB gene. It is expected to result in an absent or disrupted protein product. Loss-of-function variants in SPTB are known to be pathogenic (PMID: 1391962, 1498324, 8844207, 26830532, 27292444). This variant is not present in population databases (gnomAD no frequency). This variant has not been reported in the literature in individuals affected with SPTB-related conditions. For these reasons, this variant has been classified as Pathogenic.

Literature cited by the submitters: PubMed 1391962; PubMed 1498324; PubMed 8844207; PubMed 26830532; PubMed 27292444.